The following is an entry in ClinVar:

NM_001572.5(IRF7):c.1477G>C (p.Glu493Gln)

Gene: IRF7 (interferon regulatory factor 7; minus strand). Cytogenetic location: 11p15.5.
Variant type: single nucleotide variant.
Coding change: c.1477G>C on transcript NM_001572.5 (MANE Select); coding-DNA position 1477, G replaced by C.
Protein change: p.Glu493Gln; replaces glutamic acid 493 with glutamine.
Molecular consequence: missense variant.
Genome position (GRCh38, 1-based): chr11:612,680, C>G on the plus strand (G>C on the coding strand, the complement: IRF7 is on the minus strand). VCF-style: chr11-612680-C-G. GRCh37 (hg19) VCF-style: chr11-612680-C-G.
Other names: c.1390G>C, p.Glu464Gln (NM_004029.4); c.1516G>C, p.Glu506Gln (NM_004031.4); short protein forms E464Q, E493Q, E506Q.
Identifiers: ClinVar variation 1446519 (VCV001446519.8), dbSNP rs750066562, ClinGen allele CA5783430.

ClinVar aggregate classification (germline): Uncertain significance (1 of 4 stars; one submission).

Conditions:
Immunodeficiency 39 (IMD39). Identifiers: Orphanet 574918, MedGen C4225358, MONDO:0014597, OMIM 616345.

Allele frequency attached by ClinVar (database versions not stated): TOPMed below 0.00001; ExAC 0.00001.
gnomAD v4.1: 4 of 1,613,290 alleles (0.00025%); highest among the groups gnomAD compares: South Asian, 0.0011%; no homozygotes.

Submission:

Labcorp Genetics (formerly Invitae), Labcorp
Classification: Uncertain significance for Immunodeficiency 39. Last evaluated: 2025-02-11. Review status: criteria provided, single submitter. Criteria: Invitae Variant Classification Sherloc (09022015). Collection method: clinical testing. Allele origin: germline.
Comment: This sequence change replaces glutamic acid, which is acidic and polar, with glutamine, which is neutral and polar, at codon 506 of the IRF7 protein (p.Glu506Gln). This variant is present in population databases (rs750066562, gnomAD 0.006%). This variant has not been reported in the literature in individuals affected with IRF7-related conditions. ClinVar contains an entry for this variant (Variation ID: 1446519). An algorithm developed to predict the effect of missense changes on protein structure and function (PolyPhen-2) suggests that this variant is likely to be disruptive. In summary, the available evidence is currently insufficient to determine the role of this variant in disease. Therefore, it has been classified as a Variant of Uncertain Significance.